The following is an entry in ClinVar:

NM_001102564.3(IFT43):c.502C>T (p.Arg168Trp)

Gene: IFT43 (intraflagellar transport 43; plus strand). Cytogenetic location: 14q24.3.
Variant type: single nucleotide variant.
Coding change: c.502C>T on transcript NM_001102564.3 (MANE Select); coding-DNA position 502, C replaced by T.
Protein change: p.Arg168Trp; replaces arginine 168 with tryptophan.
Molecular consequence: missense variant. On other transcripts: non-coding transcript variant (2).
Genome position (GRCh38, 1-based): chr14:76,083,284, C>T. VCF-style: chr14-76083284-C-T. GRCh37 (hg19) VCF-style: chr14-76549627-C-T.
Other names: c.517C>T (NM_052873.2); c.517C>T, p.Arg173Trp (NM_052873.3); short protein forms R168W, R173W.
Identifiers: ClinVar variation 1370314 (VCV001370314.8), dbSNP rs1483926431, ClinGen allele CA390474621.

ClinVar aggregate classification (germline): Uncertain significance. Review status: criteria provided, multiple submitters, no conflicts (2 of 4 stars). 3 submissions from 3 submitters: Uncertain significance (3). Last evaluated 2025-06-24.

Conditions:
Short-rib thoracic dysplasia 18 with polydactyly. Identifiers: MedGen C4693420, MONDO:0036483, OMIM 617866.
Retinitis pigmentosa 81 (RP81). Identifiers: MedGen C4693443, MONDO:0036482, OMIM 617871.
Cranioectodermal dysplasia 3 (CED3). Identifiers: Orphanet 1515, MedGen C3279807, MONDO:0013573, OMIM 614099.

Allele frequency attached by ClinVar (database versions not stated): TOPMed 0.00001; gnomAD 0.00002.
gnomAD v4.1: 11 of 1,613,440 alleles (0.00068%); highest among the groups gnomAD compares: South Asian, 0.0044%; no homozygotes.

Submissions (3):

Ambry Genetics
Classification: Uncertain significance. Last evaluated: 2025-06-24. Review status: criteria provided, single submitter. Criteria: Ambry Variant Classification Scheme 2023. Collection method: clinical testing. Allele origin: germline.

Fulgent Genetics
Classification: Uncertain significance for Cranioectodermal dysplasia 3; Short-rib thoracic dysplasia 18 with polydactyly; Retinitis pigmentosa 81. Last evaluated: 2024-03-06. Review status: criteria provided, single submitter. Criteria: ACMG Guidelines, 2015. Collection method: clinical testing. Allele origin: germline.

Labcorp Genetics (formerly Invitae), Labcorp
Classification: Uncertain significance. Last evaluated: 2022-02-09. Review status: criteria provided, single submitter. Criteria: Invitae Variant Classification Sherloc (09022015). Collection method: clinical testing. Allele origin: germline.
Comment: In summary, the available evidence is currently insufficient to determine the role of this variant in disease. Therefore, it has been classified as a Variant of Uncertain Significance. Algorithms developed to predict the effect of missense changes on protein structure and function are either unavailable or do not agree on the potential impact of this missense change (SIFT: "Deleterious"; PolyPhen-2: "Probably Damaging"; Align-GVGD: "Class C15"). This variant has not been reported in the literature in individuals affected with IFT43-related conditions. This variant is not present in population databases (gnomAD no frequency). This sequence change replaces arginine, which is basic and polar, with tryptophan, which is neutral and slightly polar, at codon 173 of the IFT43 protein (p.Arg173Trp).